The following is an entry in ClinVar:

ClinVar aggregate classification (germline): Likely pathogenic (1 of 4 stars; one submission).

Submission:

GeneDx
Classification: Likely pathogenic. Last evaluated: 2024-12-10. Review status: criteria provided, single submitter. Criteria: GeneDx Variant Classification Process June 2021. Collection method: clinical testing. Allele origin: germline. Affected: yes.
Comment: Not observed at significant frequency in large population cohorts (gnomAD); In silico analysis supports that this missense variant has a deleterious effect on protein structure/function; Has not been previously published as pathogenic or benign to our knowledge; This variant is associated with the following publications: (PMID: 38014242)

NM_001127644.2(GABRA1):c.1030T>G (p.Trp344Gly)

Gene: GABRA1 (gamma-aminobutyric acid type A receptor subunit alpha1; plus strand). Cytogenetic location: 5q34.
Variant type: single nucleotide variant.
Coding change: c.1030T>G on transcript NM_001127644.2 (MANE Select); coding-DNA position 1030, T replaced by G.
Protein change: p.Trp344Gly; replaces tryptophan 344 with glycine.
Molecular consequence: missense variant.
Genome position (GRCh38, 1-based): chr5:161,895,839, T>G. VCF-style: chr5-161895839-T-G. GRCh37 (hg19) VCF-style: chr5-161322845-T-G.
Other names: c.1030T>G, p.Trp344Gly (NM_000806.5, NM_001127643.2, NM_001127645.2 and 1 more transcripts); short protein forms W344G.
Identifiers: ClinVar variation 1704900 (VCV001704900.5), dbSNP rs2532292404, ClinGen allele CA362180445.
Genomic context (GRCh38, chr5:161,895,839, plus strand): 5'-GTGTTCTCAGCTCTGATTGAGTTTGCCACAGTAAACTATTTCACTAAGAGAGGTTATGCA[T>G]GGGATGGCAAAAGTGTGGTTCCAGAAAAGGTAAATGCTTTAATGGTCACTGTAGTACATC-3'
Protein context (NP_001121116.1, residues 334-354): VNYFTKRGYA[Trp344Gly]DGKSVVPEKP